The following is an entry in ClinVar:

ClinVar aggregate classification (germline): Likely pathogenic (1 of 4 stars; one submission).

Conditions:
Hereditary cancer-predisposing syndrome. Also called: Neoplastic Syndromes, Hereditary; Tumor predisposition; Hereditary Cancer Syndrome; Hereditary neoplastic syndrome. Identifiers: Orphanet 140162, MedGen C0027672, MeSH D009386, MONDO:0015356.
Familial thoracic aortic aneurysm and aortic dissection (TAAD). Also called: Thoracic aortic aneurysms and dissections. Identifiers: Orphanet 91387, MedGen C4707243, MONDO:0019625.

Submission:

Ambry Genetics
Classification: Likely pathogenic for Hereditary cancer-predisposing syndrome; Familial thoracic aortic aneurysm and aortic dissection. Last evaluated: 2015-09-25. Review status: criteria provided, single submitter. Criteria: Ambry Variant Classification Scheme 2023. Collection method: clinical testing. Allele origin: germline.
Comment: The c.1088_1090delGTT variant (also known as p.C363del and del363C) is located in coding exon 8 of the SMAD4 gene. This variant results from an in-frame deletion of three nucleotides at positions 1088 to 1090. This results in the deletion of a cysteine residue between codons 362 and 364. In one study, c.1088_1090delGTT was detected in an individual with hereditary hemorrhagic telangiectasia and juvenile polyposis syndrome (Pyatt RE, J Mol Diagn 2006 Feb; 8(1):84-8). This variant was previously reported in the SNPDatabase as rs377767349. This variant was not reported in population-based cohorts in the following databases: NHLBI Exome Sequencing Project (ESP) and 1000 Genomes Project. In the ESP, this variant was not observed in 6,503 samples (13,006 alleles) with coverage at this position. This amino acid position is highly conserved in available vertebrate species. Based on the majority of available evidence to date, this variant is likely to be pathogenic.

NM_005359.6(SMAD4):c.1088_1090del (p.Cys363del)

Gene: SMAD4 (SMAD family member 4; plus strand). Cytogenetic location: 18q21.2.
Variant type: Deletion.
Coding change: c.1088_1090del on transcript NM_005359.6 (MANE Select); coding-DNA positions 1088 to 1090, 3 bases deleted (GTT; older notation c.1088_1090delGTT).
Protein change: p.Cys363del; deletes cysteine 363.
Molecular consequence: inframe deletion.
Genome position (GRCh38, 1-based): chr18:51,065,555-51,065,557, GTT deleted; deleting any 3 consecutive bases within chr18:51,065,553-51,065,557 gives the same sequence; the c. name uses the placement nearest the transcript's 3' end. VCF-style (leftmost placement, unchanged base first): chr18-51065552-TTTG-T. GRCh37 (hg19) VCF-style: chr18-48591922-TTTG-T.
Other names: short protein forms C363del.
Identifiers: ClinVar variation 1788057 (VCV001788057.2), dbSNP rs377767349, ClinGen allele CA259214.
Genomic context (GRCh38, chr18:51,065,552, plus strand): 5'-CTTCAAGCTGCCCTATTGTTACTGTTGATGGATACGTGGACCCTTCTGGAGGAGATCGCT[TTTG>T]TTTGGGTCAACTCTCCAATGTCCACAGGACAGAAGCCATTGAGAGAGCAAGGTATTGATT-3'